The following is an entry in ClinVar:

NM_001135629.3(PPP1R21):c.258A>C (p.Arg86=)

Gene: PPP1R21 (protein phosphatase 1 regulatory subunit 21; plus strand). Cytogenetic location: 2p16.3.
Variant type: single nucleotide variant.
Coding change: c.258A>C on transcript NM_001135629.3 (MANE Select); coding-DNA position 258, A replaced by C.
Protein change: p.Arg86=; no amino-acid change (arginine 86 retained).
Molecular consequence: synonymous variant. On other transcripts: non-coding transcript variant (1).
Genome position (GRCh38, 1-based): chr2:48,454,726, A>C. VCF-style: chr2-48454726-A-C. GRCh37 (hg19) VCF-style: chr2-48681865-A-C.
Other names: c.258A>C, p.Arg86= (NM_001193475.2, NM_152994.5).
Identifiers: ClinVar variation 3046676 (VCV003046676.2), dbSNP rs753383553, ClinGen allele CA1650743.

ClinVar aggregate classification (germline): Likely benign (0 of 4 stars; one submission).

Conditions:
PPP1R21-related disorder. Also called: PPP1R21-related condition.

Allele frequency attached by ClinVar (database versions not stated): gnomAD exomes below 0.00001.

Submission:

PreventionGenetics, part of Exact Sciences
Classification: Likely benign for PPP1R21-related condition. Last evaluated: 2023-05-05. Review status: no assertion criteria provided. Collection method: clinical testing. Allele origin: germline.
Comment: This variant is classified as likely benign based on ACMG/AMP sequence variant interpretation guidelines (Richards et al. 2015 PMID: 25741868, with internal and published modifications).